The following is an entry in ClinVar:

ClinVar aggregate classification (germline): Uncertain significance. Review status: criteria provided, multiple submitters, no conflicts (2 of 4 stars). 3 submissions from 3 submitters: Uncertain significance (3). Last evaluated 2023-03-29.

Conditions:
Inborn genetic diseases. Identifiers: MedGen C0950123, MeSH D030342.
Autosomal recessive nonsyndromic hearing loss 77. Identifiers: Orphanet 90636, MedGen C2746083, MONDO:0013119, OMIM 613079.

Allele frequency attached by ClinVar (database versions not stated): gnomAD 0.00003 and 0.00005; TOPMed 0.00006; gnomAD exomes 0.00011 and 0.00018; ExAC 0.00014; 1000 Genomes Project 30x 0.00016; 1000 Genomes Project 0.00020.
gnomAD v4.1: 249 of 1,551,690 alleles (0.016%); highest among the groups gnomAD compares: East Asian, 0.58%; 1 homozygote.

Submissions (3):

Ambry Genetics
Classification: Uncertain significance for Inborn genetic diseases. Last evaluated: 2023-03-29. Review status: criteria provided, single submitter. Criteria: Ambry Variant Classification Scheme 2023. Collection method: clinical testing. Allele origin: germline.

Labcorp Genetics (formerly Invitae), Labcorp
Classification: Uncertain significance. Last evaluated: 2021-11-09. Review status: criteria provided, single submitter. Criteria: Invitae Variant Classification Sherloc (09022015). Collection method: clinical testing. Allele origin: germline.
Comment: This sequence change replaces glutamic acid, which is acidic and polar, with lysine, which is basic and polar, at codon 1553 of the LOXHD1 protein (p.Glu1553Lys). This variant is present in population databases (rs185142131, gnomAD 0.1%). This variant has not been reported in the literature in individuals affected with LOXHD1-related conditions. ClinVar contains an entry for this variant (Variation ID: 891649). Algorithms developed to predict the effect of missense changes on protein structure and function are either unavailable or do not agree on the potential impact of this missense change (SIFT: "Deleterious"; PolyPhen-2: "Probably Damaging"; Align-GVGD: "Class C0"). In summary, the available evidence is currently insufficient to determine the role of this variant in disease. Therefore, it has been classified as a Variant of Uncertain Significance.

Illumina Laboratory Services, Illumina
Classification: Uncertain significance for Autosomal recessive nonsyndromic hearing loss 77. Last evaluated: 2018-01-13. Review status: criteria provided, single submitter. Criteria: ICSL Variant Classification Criteria 13 December 2019. Collection method: clinical testing. Allele origin: germline.

NM_001384474.1(LOXHD1):c.4657G>A (p.Glu1553Lys)

Gene: LOXHD1 (lipoxygenase homology PLAT domains 1; minus strand). Cytogenetic location: 18q21.1.
Variant type: single nucleotide variant.
Coding change: c.4657G>A on transcript NM_001384474.1 (MANE Select); coding-DNA position 4657, G replaced by A.
Protein change: p.Glu1553Lys; replaces glutamic acid 1553 with lysine.
Molecular consequence: missense variant.
Genome position (GRCh38, 1-based): chr18:46,524,791, C>T on the plus strand (G>A on the coding strand, the complement: LOXHD1 is on the minus strand). VCF-style: chr18-46524791-C-T. GRCh37 (hg19) VCF-style: chr18-44104754-C-T.
Other names: c.1324G>A, p.Glu442Lys (NM_001145472.3); c.1036G>A, p.Glu346Lys (NM_001308013.2); c.4657G>A, p.Glu1553Lys (NM_144612.7); short protein forms E1553K, E442K, E346K.
Identifiers: ClinVar variation 891649 (VCV000891649.7), dbSNP rs185142131, ClinGen allele CA8952316.